The following is an entry in ClinVar:

NM_014921.5(ADGRL1):c.65C>T (p.Thr22Ile)

Gene: ADGRL1 (adhesion G protein-coupled receptor L1; minus strand). Cytogenetic location: 19p13.12.
Variant type: single nucleotide variant.
Coding change: c.65C>T on transcript NM_014921.5 (MANE Select); coding-DNA position 65, C replaced by T.
Protein change: p.Thr22Ile; replaces threonine 22 with isoleucine.
Molecular consequence: missense variant.
Genome position (GRCh38, 1-based): chr19:14,183,538, G>A on the plus strand (C>T on the coding strand, the complement: ADGRL1 is on the minus strand). VCF-style: chr19-14183538-G-A. GRCh37 (hg19) VCF-style: chr19-14294350-G-A.
Other names: c.65C>T, p.Thr22Ile (NM_001008701.3); short protein forms T22I.
Identifiers: ClinVar variation 4848384 (VCV004848384.1).

ClinVar aggregate classification (germline): Uncertain significance (1 of 4 stars; one submission).

gnomAD v4.1: 4 of 1,575,080 alleles (0.00025%); highest among the groups gnomAD compares: Non-Finnish European, 0.00026%; no homozygotes.

Submission:

Women's Health and Genetics/Laboratory Corporation of America, LabCorp
Classification: Uncertain significance. Last evaluated: 2026-04-29. Review status: criteria provided, single submitter. Criteria: LabCorp Variant Classification Summary - May 2015. Collection method: clinical testing. Allele origin: germline.
Comment: Variant summary: ADGRL1 c.65C>T (p.Thr22Ile) results in a non-conservative amino acid change in the encoded protein sequence. Algorithms developed to predict the effect of missense changes on protein structure and function are either unavailable or do not agree on the potential impact of this missense change. The frequency data for this variant in gnomAD is considered unreliable, as metrics indicate poor data quality at this position. To our knowledge, no occurrence of c.65C>T in individuals affected with ADGRL1-related conditions and no experimental evidence demonstrating its impact on protein function have been reported. No submitters have cited clinical-significance assessments for this variant to ClinVar. Based on the evidence outlined above, the variant was classified as uncertain significance.